The following is an entry in ClinVar:

ClinVar aggregate classification (germline): Uncertain significance (1 of 4 stars; one submission).

Conditions:
Congenital contractural arachnodactyly (CCA). Also called: Arthrogryposis, distal, type 9; BEALS SYNDROME; Beals-Hecht syndrome. Identifiers: Orphanet 115, MedGen C0220668, MONDO:0007363, OMIM 121050.

Submission:

Labcorp Genetics (formerly Invitae), Labcorp
Classification: Uncertain significance for Congenital contractural arachnodactyly. Last evaluated: 2025-03-03. Review status: criteria provided, single submitter. Criteria: Invitae Variant Classification Sherloc (09022015). Collection method: clinical testing. Allele origin: germline.
Comment: This sequence change replaces glycine, which is neutral and non-polar, with alanine, which is neutral and non-polar, at codon 183 of the FBN2 protein (p.Gly183Ala). This variant is not present in population databases (gnomAD no frequency). This variant has not been reported in the literature in individuals affected with FBN2-related conditions. Invitae Evidence Modeling of protein sequence and biophysical properties (such as structural, functional, and spatial information, amino acid conservation, physicochemical variation, residue mobility, and thermodynamic stability) has been performed for this missense variant. However, the output from this modeling did not meet the statistical confidence thresholds required to predict the impact of this variant on FBN2 protein function. In summary, the available evidence is currently insufficient to determine the role of this variant in disease. Therefore, it has been classified as a Variant of Uncertain Significance.

NM_001999.4(FBN2):c.548G>C (p.Gly183Ala)

Gene: FBN2 (fibrillin 2; minus strand). Cytogenetic location: 5q23.3.
Variant type: single nucleotide variant.
Coding change: c.548G>C on transcript NM_001999.4 (MANE Select); coding-DNA position 548, G replaced by C.
Protein change: p.Gly183Ala; replaces glycine 183 with alanine.
Molecular consequence: missense variant.
Genome position (GRCh38, 1-based): chr5:128,519,353, C>G on the plus strand (G>C on the coding strand, the complement: FBN2 is on the minus strand). VCF-style: chr5-128519353-C-G. GRCh37 (hg19) VCF-style: chr5-127855046-C-G.
Other names: short protein forms G183A.
Identifiers: ClinVar variation 4717183 (VCV004717183.1).
Genomic context (GRCh38, chr5:128,519,353, plus strand): 5'-GTGAACCCATAAACACAAGCACAGCGGTTGGGTCCGATGCAACGTCCACCATTCTGACAT[C>G]CATTTTCACAGACAGCTGCATACAAAAATAGCAAGAAGCTCATTATATAGCCAGTCTCCA-3'
Protein context (NP_001990.2, residues 173-193): TYCGQPVCEN[Gly183Ala]CQNGGRCIGP